The following is an entry in ClinVar:

ClinVar aggregate classification (germline): Pathogenic (1 of 4 stars; one submission).

Conditions:
Neurofibromatosis, type 1 (NF1). Also called: VON RECKLINGHAUSEN DISEASE; NEUROFIBROMATOSIS, TYPE I, SOMATIC; Neurofibromatosis, type I; Peripheral type neurofibromatosis. Identifiers: Orphanet 636, MedGen C0027831, MONDO:0018975, OMIM 162200. Disease mechanism: loss of function.

Submission:

Labcorp Genetics (formerly Invitae), Labcorp
Classification: Pathogenic for Neurofibromatosis, type 1. Last evaluated: 2021-07-12. Review status: criteria provided, single submitter. Criteria: Invitae Variant Classification Sherloc (09022015). Collection method: clinical testing. Allele origin: germline.
Comment: For these reasons, this variant has been classified as Pathogenic. This variant has not been reported in the literature in individuals affected with NF1-related conditions. This variant is not present in population databases (ExAC no frequency). This sequence change creates a premature translational stop signal (p.Met1214*) in the NF1 gene. It is expected to result in an absent or disrupted protein product. Loss-of-function variants in NF1 are known to be pathogenic (PMID: 10712197, 23913538).

Literature cited by the submitters: PubMed 10712197; PubMed 23913538.

NM_001042492.3(NF1):c.3640del (p.Thr1213_Met1214insTer)

Gene: NF1 (neurofibromin 1; plus strand). Cytogenetic location: 17q11.2.
Variant type: Deletion.
Coding change: c.3640del on transcript NM_001042492.3 (MANE Select); coding-DNA position 3640, one base deleted (A; older notation c.3640delA).
Protein change: p.Thr1213_Met1214insTer.
Molecular consequence: nonsense. On other transcripts: frameshift variant (1).
Genome position (GRCh38, 1-based): chr17:31,233,145, A deleted; the last of 2 consecutive A bases (chr17:31,233,144-31,233,145); deleting either gives the same sequence. VCF-style (leftmost placement, unchanged base first): chr17-31233143-CA-C. GRCh37 (hg19) VCF-style: chr17-29560161-CA-C.
Other names: c.3640delA, p.Met1214Terfs (NM_000267.4).
Identifiers: ClinVar variation 1426369 (VCV001426369.6), dbSNP rs2151435660, ClinGen allele CA2573153360.